The following is an entry in ClinVar:

ClinVar aggregate classification (germline): Uncertain significance (1 of 4 stars; one submission).

Conditions:
CADPS2-related disorder. Also called: CADPS2-related condition.

Submission:

PreventionGenetics, part of Exact Sciences
Classification: Uncertain significance for CADPS2-related condition. Last evaluated: 2024-12-20. Review status: criteria provided, single submitter. Criteria: ACMG Guidelines, 2015. Collection method: clinical testing. Allele origin: germline.
Comment: The CADPS2 c.622G>T variant is predicted to result in the amino acid substitution p.Asp208Tyr. To our knowledge, this variant has not been reported in the literature or in a large population database, indicating this variant is rare. At this time, the clinical significance of this variant is uncertain due to the absence of conclusive functional and genetic evidence.

NM_017954.11(CADPS2):c.622G>T (p.Asp208Tyr)

Gene: CADPS2 (calcium dependent secretion activator 2; minus strand). Cytogenetic location: 7q31.32.
Variant type: single nucleotide variant.
Coding change: c.622G>T on transcript NM_017954.11 (MANE Select); coding-DNA position 622, G replaced by T.
Protein change: p.Asp208Tyr; replaces aspartic acid 208 with tyrosine.
Molecular consequence: missense variant.
Genome position (GRCh38, 1-based): chr7:122,663,401, C>A on the plus strand (G>T on the coding strand, the complement: CADPS2 is on the minus strand). VCF-style: chr7-122663401-C-A. GRCh37 (hg19) VCF-style: chr7-122303455-C-A.
Other names: c.622G>T, p.Asp208Tyr (NM_001009571.4, NM_001167940.2, NM_001363389.2 and 9 more transcripts); c.139G>T, p.Asp47Tyr (NM_001363399.2, NM_001363400.2); short protein forms D208Y, D47Y.
Identifiers: ClinVar variation 3346747 (VCV003346747.2).